The following is an entry in ClinVar:

NM_001171.6(ABCC6):c.1857dup (p.Ser620fs)

Gene: ABCC6 (ATP binding cassette subfamily C member 6; minus strand). Cytogenetic location: 16p13.11.
Variant type: Duplication.
Coding change: c.1857dup on transcript NM_001171.6 (MANE Select); coding-DNA position 1857, one base duplicated (C; older notation c.1857dupC).
Protein change: p.Ser620fs; shifts the reading frame from serine 620.
Molecular consequence: frameshift variant. On other transcripts: non-coding transcript variant (1).
Genome position (GRCh38, 1-based): chr16:16,187,134, G duplicated on the plus strand (C on the coding strand, the reverse complement: ABCC6 is on the minus strand); the first of 2 consecutive G bases (chr16:16,187,134-16,187,135); duplicating either gives the same sequence. VCF-style (leftmost placement, unchanged base first): chr16-16187133-A-AG. GRCh37 (hg19) VCF-style: chr16-16280990-A-AG.
Other names: c.1515dup, p.Ser506fs (NM_001351800.1); c.1857_1858insC (NM_001171.5); short protein forms S620fs, S506fs.
Identifiers: ClinVar variation 433245 (VCV000433245.5), dbSNP rs72664218, ClinGen allele CA278651755.

ClinVar aggregate classification (germline): Pathogenic/Likely pathogenic. Review status: criteria provided, multiple submitters, no conflicts (2 of 4 stars). 2 submissions from 2 submitters: Pathogenic (1); Likely pathogenic (1). Last evaluated 2024-08-20.

Conditions:
Autosomal recessive inherited pseudoxanthoma elasticum (PXE). Identifiers: Orphanet 758, MedGen CN032334, MONDO:0009925, OMIM 264800.

Submissions (2):

Labcorp Genetics (formerly Invitae), Labcorp
Classification: Pathogenic. Last evaluated: 2024-08-20. Review status: criteria provided, single submitter. Criteria: Invitae Variant Classification Sherloc (09022015). Collection method: clinical testing. Allele origin: germline.
Comment: This sequence change creates a premature translational stop signal (p.Ser620Leufs*121) in the ABCC6 gene. It is expected to result in an absent or disrupted protein product. Loss-of-function variants in ABCC6 are known to be pathogenic (PMID: 11536079, 17617515). This variant is not present in population databases (gnomAD no frequency). This premature translational stop signal has been observed in individual(s) with pseudoxanthoma elasticum (PMID: 17617515, 34205333, 34906475). ClinVar contains an entry for this variant (Variation ID: 433245). For these reasons, this variant has been classified as Pathogenic.

PXE International
Classification: Likely pathogenic for Autosomal recessive inherited pseudoxanthoma elasticum. Last evaluated: 2021-03-02. Review status: criteria provided, single submitter. Criteria: Submitter's publication. Collection method: research. Allele origin: germline. Inheritance: Autosomal recessive inheritance. Affected: yes. Observed: 2 variant alleles.

Literature cited by the submitters: PubMed 11536079 (cited by Labcorp Genetics (formerly Invitae), Labcorp); PubMed 17617515 (cited by Labcorp Genetics (formerly Invitae), Labcorp); PubMed 34205333 (cited by Labcorp Genetics (formerly Invitae), Labcorp); PubMed 34906475 (cited by Labcorp Genetics (formerly Invitae), Labcorp).